The following is an entry in ClinVar:

NM_080425.4(GNAS):c.913T>C (p.Ser305Pro)

Gene: GNAS (GNAS complex locus; plus strand). Cytogenetic location: 20q13.32.
Variant type: single nucleotide variant.
Coding change: c.913T>C on transcript NM_080425.4 (MANE Plus Clinical); coding-DNA position 913, T replaced by C.
Protein change: p.Ser305Pro; replaces serine 305 with proline.
Molecular consequence: missense variant. On other transcripts: synonymous variant (2), intron variant (3).
Genome position (GRCh38, 1-based): chr20:58,854,178, T>C. VCF-style: chr20-58854178-T-C. GRCh37 (hg19) VCF-style: chr20-57429233-T-C.
Other names: c.726T>C, p.Ser242= (NM_001077490.3, NM_001309883.1); c.913T>C, p.Ser305Pro (NM_001410913.1); c.*42+13292T>C (NM_016592.5); c.43+13292T>C (NM_001410912.1); c.-39+12303T>C (NM_001309861.2); short protein forms S305P.
Identifiers: ClinVar variation 719213 (VCV000719213.15), dbSNP rs376517306, ClinGen allele CA9926576.

ClinVar aggregate classification (germline): Likely benign. Review status: criteria provided, multiple submitters, no conflicts (2 of 4 stars). 4 submissions from 4 submitters: Likely benign (4). Last evaluated 2025-03-01.

Conditions:
Pseudohypoparathyroidism type 1B (PHP1B). Also called: Pseudohypoparathyroidism Ib (PHP-Ib); PHP IB; Pseudohypoparathyroidism Type IB. Identifiers: Orphanet 94089, MedGen C1864100, MONDO:0011301, OMIM 603233.
Pseudopseudohypoparathyroidism (PPHP). Also called: ALBRIGHT HEREDITARY OSTEODYSTROPHY WITHOUT MULTIPLE HORMONE RESISTANCE; Pseudopseudohypoparathyroidism (PPHP). Identifiers: Orphanet 79445, MedGen C0033835, MONDO:0012912, OMIM 612463.
McCune-Albright syndrome (MAS). Also called: Albright's Syndrome; Albright's disease; ALBRIGHT SYNDROME; McCune-Albright syndrome, somatic, mosaic; Fibrous Dysplasia / McCune-Albright Syndrome. Identifiers: Orphanet 562, MedGen C0242292, MONDO:0018919, OMIM 174800.
Progressive osseous heteroplasia (POH). Also called: Osteoma cutis; Progressive Osseus Heteroplasia (POH); Osseus Heteroplasia, Progressive; ECTOPIC OSSIFICATION, FAMILIAL. Identifiers: Orphanet 2762, MedGen C0334041, MONDO:0008153, OMIM 166350, HP:0025027.
Pituitary adenoma 3, multiple types. Also called: PITUITARY ADENOMA 3, ACTH-SECRETING, SOMATIC; PITUITARY ADENOMA 3, GROWTH HORMONE-SECRETING, SOMATIC. Identifiers: MedGen C4540135, MONDO:0054665, OMIM 617686.
Pseudohypoparathyroidism type 1C (PHP1C). Also called: PSEUDOHYPOPARATHYROIDISM, TYPE IC; Pseudohypoparathyroidism Ic (PHP-Ic); PHP IC. Identifiers: Orphanet 79444, MedGen C2932716, MONDO:0012911, OMIM 612462.
ACTH-independent macronodular adrenal hyperplasia 1 (AIMAH1). Also called: CORTICOTROPIN-INDEPENDENT MACRONODULAR ADRENAL HYPERPLASIA; ADRENOCORTICOTROPIC HORMONE-INDEPENDENT MACRONODULAR ADRENAL HYPERPLASIA; ACTH-INDEPENDENT MACRONODULAR ADRENOCORTICAL HYPERPLASIA; ACTH-independent macronodular adrenal hyperplasia, somatic; CUSHING SYNDROME, ADRENAL, DUE TO AIMAH. Identifiers: MedGen C1857451, MONDO:0020735, OMIM 219080.
Pseudohypoparathyroidism type I A (PHP1A). Also called: Pseudohypoparathyroidism Ia (PHP-Ia); Pseudohypoparathyroidism Type IA; ALBRIGHT HEREDITARY OSTEODYSTROPHY WITH MULTIPLE HORMONE RESISTANCE; PHP IA; Pseudohypoparathyroidism type 1A. Identifiers: Orphanet 79443, MedGen C3494506, MONDO:0007078, OMIM 103580.

Allele frequency attached by ClinVar (database versions not stated): gnomAD exomes 0.00003 and 0.00019; gnomAD 0.00007 and 0.00008; ExAC 0.00020; TOPMed 0.00010.
gnomAD v4.1: 82 of 1,612,702 alleles (0.0051%); highest among the groups gnomAD compares: East Asian, 0.11%; 2 homozygotes.

Submissions (4):

CeGaT Center for Human Genetics Tuebingen
Classification: Likely benign. Last evaluated: 2025-03-01. Review status: criteria provided, single submitter. Criteria: CeGaT Center For Human Genetics Tuebingen Variant Classification Criteria Version 2. Collection method: clinical testing. Allele origin: germline. Affected: yes. Observed: 1 variant allele.
Comment: GNAS: BP4, BS1

Blueprint Genetics
Classification: Likely benign. Last evaluated: 2024-05-08. Review status: criteria provided, single submitter. Criteria: ACMG Guidelines, 2015. Collection method: clinical testing. Allele origin: germline.

Fulgent Genetics
Classification: Likely benign for Pseudohypoparathyroidism type I A; Progressive osseous heteroplasia; McCune-Albright syndrome; ACTH-independent macronodular adrenal hyperplasia 1; Pseudohypoparathyroidism type 1B; Pseudohypoparathyroidism type 1C; Pseudopseudohypoparathyroidism; Pituitary adenoma 3, multiple types. Last evaluated: 2021-08-02. Review status: criteria provided, single submitter. Criteria: ACMG Guidelines, 2015. Collection method: clinical testing. Allele origin: unknown.

Labcorp Genetics (formerly Invitae), Labcorp
Classification: Likely benign. Last evaluated: 2019-12-31. Review status: criteria provided, single submitter. Criteria: Invitae Variant Classification Sherloc (09022015). Collection method: clinical testing. Allele origin: germline.